The following is an entry in ClinVar:

NM_000051.4(ATM):c.5291T>G (p.Leu1764Arg)

Gene: ATM (ATM serine/threonine kinase; plus strand). Cytogenetic location: 11q22.3.
Variant type: single nucleotide variant.
Coding change: c.5291T>G on transcript NM_000051.4 (MANE Select); coding-DNA position 5291, T replaced by G.
Protein change: p.Leu1764Arg; replaces leucine 1764 with arginine.
Molecular consequence: missense variant.
Genome position (GRCh38, 1-based): chr11:108,301,761, T>G. VCF-style: chr11-108301761-T-G. GRCh37 (hg19) VCF-style: chr11-108172488-T-G.
Other names: c.5291T>G, p.Leu1764Arg (NM_001351834.2); short protein forms L1764R.
Identifiers: ClinVar variation 1060473 (VCV001060473.6), dbSNP rs2135915061, ClinGen allele CA382542703.

ClinVar aggregate classification (germline): Uncertain significance (1 of 4 stars; one submission).

Conditions:
Ataxia-telangiectasia syndrome (AT). Also called: ATAXIA-TELANGIECTASIA, FRESNO VARIANT; Ataxia-telangiectasia, complementation group D; AT, COMPLEMENTATION GROUP C; Ataxia-telangiectasia; Ataxia-telangiectasia, complementation group E; Ataxia telangiectasia (A-T). Identifiers: Orphanet 100, MedGen C0004135, MONDO:0008840, OMIM 208900.

Submission:

Labcorp Genetics (formerly Invitae), Labcorp
Classification: Uncertain significance for Ataxia-telangiectasia syndrome. Last evaluated: 2022-07-14. Review status: criteria provided, single submitter. Criteria: Invitae Variant Classification Sherloc (09022015). Collection method: clinical testing. Allele origin: germline.
Comment: This sequence change replaces leucine, which is neutral and non-polar, with arginine, which is basic and polar, at codon 1764 of the ATM protein (p.Leu1764Arg). This variant is not present in population databases (gnomAD no frequency). This variant has not been reported in the literature in individuals affected with ATM-related conditions. ClinVar contains an entry for this variant (Variation ID: 1060473). Algorithms developed to predict the effect of missense changes on protein structure and function (SIFT, PolyPhen-2, Align-GVGD) all suggest that this variant is likely to be disruptive. In summary, the available evidence is currently insufficient to determine the role of this variant in disease. Therefore, it has been classified as a Variant of Uncertain Significance.